The following is an entry in ClinVar:

ClinVar aggregate classification (germline): Uncertain significance (0 of 4 stars; one submission).

Conditions:
CREBBP-related disorder. Also called: CREBBP-related condition; CREBBP-related disorders.

Submission:

PreventionGenetics, part of Exact Sciences
Classification: Uncertain significance for CREBBP-related condition. Last evaluated: 2024-09-06. Review status: no assertion criteria provided. Collection method: clinical testing. Allele origin: germline.
Comment: The CREBBP c.6499C>T variant is predicted to result in premature protein termination (p.Gln2167*). To our knowledge, this variant has not been reported in the literature or in a large population database, indicating this variant is rare. This variant is located in the terminal exon of the gene, calling its clinical significance into question. However a small number of other early termination changes have been reported as de novo findings downstream of this change, in patients diagnosed with Rubinstein-Taybi syndrome (Squeo et al. 2020. PubMed ID: 32170002; Kim et al. 2023. PubMed ID: 38129582). Although we suspect that this variant may be pathogenic, at this time, the clinical significance of this variant is uncertain due to the absence of conclusive functional and genetic evidence.

NM_004380.3(CREBBP):c.6499C>T (p.Gln2167Ter)

Gene: CREBBP (CREB binding lysine acetyltransferase; minus strand). Cytogenetic location: 16p13.3.
Variant type: single nucleotide variant.
Coding change: c.6499C>T on transcript NM_004380.3 (MANE Select); coding-DNA position 6499, C replaced by T.
Protein change: p.Gln2167Ter; replaces glutamine 2167 with a stop codon.
Molecular consequence: nonsense.
Genome position (GRCh38, 1-based): chr16:3,728,548, G>A on the plus strand (C>T on the coding strand, the complement: CREBBP is on the minus strand). VCF-style: chr16-3728548-G-A. GRCh37 (hg19) VCF-style: chr16-3778549-G-A.
Other names: c.6385C>T, p.Gln2129Ter (NM_001079846.1); short protein forms Q2129*, Q2167*.
Identifiers: ClinVar variation 3346405 (VCV003346405.1).